The following is an entry in ClinVar:

ClinVar aggregate classification (germline): Pathogenic/Likely pathogenic. Review status: criteria provided, multiple submitters, no conflicts (2 of 4 stars). 2 submissions from 2 submitters: Pathogenic (1); Likely pathogenic (1). Last evaluated 2025-03-25.

Conditions:
Galactosylceramide beta-galactosidase deficiency. Also called: Krabbe Disease; GALACTOCEREBROSIDASE DEFICIENCY; GALC DEFICIENCY; GLOBOID CELL LEUKOENCEPHALOPATHY; Leukodystrophy, Globoid Cell. Identifiers: Orphanet 487, MedGen C0023521, MONDO:0009499, OMIM 245200.

Allele frequency attached by ClinVar (database versions not stated): gnomAD exomes below 0.00001.
gnomAD v4.1: 2 of 1,612,784 alleles (0.00012%); highest among the groups gnomAD compares: East Asian, 0.0045%; no homozygotes.

Submissions (2):

Myriad Genetics, Inc.
Classification: Likely pathogenic for Galactosylceramide beta-galactosidase deficiency. Last evaluated: 2025-03-25. Review status: criteria provided, single submitter. Criteria: Myriad Autosomal Dominant, Autosomal Recessive and X-Linked Classification Criteria (2023). Collection method: clinical testing. Allele origin: unknown.
Comment: NM_000153.3(GALC):c.2002A>C(T668P) is a missense variant classified as likely pathogenic in the context of Krabbe disease. T668P has been observed in cases with relevant disease (PMID: 24252386, 16607461). Relevant functional assessments of this variant are available in the literature (PMID: 24252386, 29615819, 10234611). T668P has not been observed in referenced population frequency databases. In summary, NM_000153.3(GALC):c.2002A>C(T668P) is a missense variant that has functional support for pathogenicity and has been observed more frequently in cases with the relevant disease than in healthy populations. Please note: this variant was assessed in the context of healthy population screening.

Labcorp Genetics (formerly Invitae), Labcorp
Classification: Pathogenic for Galactosylceramide beta-galactosidase deficiency. Last evaluated: 2019-02-14. Review status: criteria provided, single submitter. Criteria: Invitae Variant Classification Sherloc (09022015). Collection method: clinical testing. Allele origin: germline.
Comment: This sequence change replaces threonine with proline at codon 668 of the GALC protein (p.Thr668Pro). The threonine residue is highly conserved and there is a small physicochemical difference between threonine and proline. For these reasons, this variant has been classified as Pathogenic. This variant has been reported to affect GALC protein function (PMID: 29615819, 24252386). This variant has been observed in several individuals affected with Krabbe disease (PMID: 24252386). This variant is also referred to as Thr652Pro in the literature. This variant is not present in population databases (ExAC no frequency).

Literature cited by the submitters: PubMed 10234611 (cited by Myriad Genetics, Inc.); PubMed 16607461 (cited by Myriad Genetics, Inc.); PubMed 24252386 (cited by Myriad Genetics, Inc. and Labcorp Genetics (formerly Invitae), Labcorp); PubMed 29615819 (cited by Myriad Genetics, Inc. and Labcorp Genetics (formerly Invitae), Labcorp).

NM_000153.4(GALC):c.2002A>C (p.Thr668Pro)

Gene: GALC (galactosylceramidase; minus strand). Cytogenetic location: 14q31.3.
Variant type: single nucleotide variant.
Coding change: c.2002A>C on transcript NM_000153.4 (MANE Select); coding-DNA position 2002, A replaced by C.
Protein change: p.Thr668Pro; replaces threonine 668 with proline.
Molecular consequence: missense variant.
Genome position (GRCh38, 1-based): chr14:87,934,788, T>G on the plus strand (A>C on the coding strand, the complement: GALC is on the minus strand). VCF-style: chr14-87934788-T-G. GRCh37 (hg19) VCF-style: chr14-88401132-T-G.
Other names: c.1933A>C, p.Thr645Pro (NM_001201401.2); c.1924A>C, p.Thr642Pro (NM_001201402.2); short protein forms T642P, T645P, T668P.
Identifiers: ClinVar variation 857343 (VCV000857343.11), dbSNP rs1884498480, ClinGen allele CA390745190.
Genomic context (GRCh38, chr14:87,934,788, plus strand): 5'-AGTATTAGCGTGTGGCTTCCACAAGAAAGTTGTCAAACTGTGCAAATTCAAAGGAGTGAG[T>G]TCCAATTGCAGCCCAGCCATTCTTTGGAAAATTCACAGGGATGTCTGTCCACAGAGACTT-3'
Protein context (NP_000144.2, residues 658-678): FPKNGWAAIG[Thr668Pro]HSFEFAQFDN